The following is an entry in ClinVar:

NM_003906.5(MCM3AP):c.5785-2dup

Genes: MCM3AP (minichromosome maintenance complex component 3 associated protein; minus strand), MCM3AP-AS1 (MCM3AP antisense RNA 1; plus strand). Cytogenetic location: 21q22.3.
Variant type: Duplication.
Coding change: c.5785-2dup on transcript NM_003906.5 (MANE Select); the canonical splice acceptor site of the intron before coding-DNA position 5785, one base duplicated (A; older notation c.5785-2dupA).
Molecular consequence: splice acceptor variant.
Genome position (GRCh38, 1-based): chr21:46,235,428, T duplicated on the plus strand (A on the coding strand, the reverse complement: MCM3AP is on the minus strand). VCF-style (leftmost placement, unchanged base first): chr21-46235427-C-CT. GRCh37 (hg19) VCF-style: chr21-47655341-C-CT.
Identifiers: ClinVar variation 1933668 (VCV001933668.2), dbSNP rs1332143881, ClinGen allele CA638194670.
Genomic context (GRCh38, chr21:46,235,427, plus strand): 5'-TTCGCCTAGACACGTTCCTGTCGCCTCTGACAGCTGCAGTTGCTCCCTCATCATGTCACT[C>CT]TATTTGAATAAAAAAGAAACTGAACAGTTTTGGGATGTCAATAAACCACGACCTATCTCT-3'

ClinVar aggregate classification (germline): Uncertain significance (1 of 4 stars; one submission).

Allele frequency attached by ClinVar (database versions not stated): gnomAD exomes below 0.00001; TOPMed below 0.00001.

Submission:

Labcorp Genetics (formerly Invitae), Labcorp
Classification: Uncertain significance. Last evaluated: 2022-02-28. Review status: criteria provided, single submitter. Criteria: Invitae Variant Classification Sherloc (09022015). Collection method: clinical testing. Allele origin: germline.
Comment: This sequence change falls in intron 27 of the MCM3AP gene. It does not directly change the encoded amino acid sequence of the MCM3AP protein. It affects a nucleotide within the consensus splice site. This variant is present in population databases (no rsID available, gnomAD 0.0009%). This variant has not been reported in the literature in individuals affected with MCM3AP-related conditions. Variants that disrupt the consensus splice site are a relatively common cause of aberrant splicing (PMID: 17576681, 9536098). Algorithms developed to predict the effect of sequence changes on RNA splicing suggest that this variant may disrupt the consensus splice site. In summary, the available evidence is currently insufficient to determine the role of this variant in disease. Therefore, it has been classified as a Variant of Uncertain Significance.

Literature cited by the submitters: PubMed 17576681; PubMed 9536098.